The following is an entry in ClinVar:

NC_000022.10:g.(?_41531797)_(41566595_?)dup

Gene: EP300 (EP300 lysine acetyltransferase; plus strand). Cytogenetic location: 22q13.2.
Variant type: Duplication.
Identifiers: ClinVar variation 3247962 (VCV003247962.1).

ClinVar aggregate classification (germline): Likely pathogenic (1 of 4 stars; one submission).

Conditions:
Rubinstein-Taybi syndrome due to EP300 haploinsufficiency. Also called: EP300-Related Rubinstein-Taybi Syndrome; RUBINSTEIN-TAYBI SYNDROME 2. Identifiers: Orphanet 353284, Orphanet 783, MedGen C3150941, MONDO:0013364, OMIM 613684.

Submission:

Labcorp Genetics (formerly Invitae), Labcorp
Classification: Likely pathogenic for Rubinstein-Taybi syndrome due to EP300 haploinsufficiency. Last evaluated: 2023-06-29. Review status: criteria provided, single submitter. Criteria: Invitae Variant Classification Sherloc (09022015). Collection method: clinical testing. Allele origin: unknown.
Comment: This variant results in a copy number gain of the genomic region encompassing exon(s) 7-27 of the EP300 gene. While the exact position of this variant cannot be determined from the data, sub-genic copy number gains are generally in tandem (PMID: 25640679). This variant is predicted to be out-of-frame, and may result in an absent or disrupted protein product. Loss-of-function variants in EP300 are known to be pathogenic (PMID: 15706485, 24476420). In summary, the currently available evidence indicates that the variant is pathogenic, but additional data are needed to prove that conclusively. Therefore, this variant has been classified as Likely Pathogenic. This variant has not been reported in the literature in individuals affected with EP300-related conditions.

Literature cited by the submitters: PubMed 25640679; PubMed 15706485; PubMed 24476420.